The following is an entry in ClinVar:

ClinVar aggregate classification (germline): Uncertain significance (1 of 4 stars; one submission).

gnomAD v4.1: 16 of 1,613,698 alleles (0.00099%); highest among the groups gnomAD compares: African/African-American, 0.0013%; no homozygotes.

Submission:

GeneDx
Classification: Uncertain significance. Last evaluated: 2025-07-14. Review status: criteria provided, single submitter. Criteria: GeneDx Variant Classification Process June 2021. Collection method: clinical testing. Allele origin: germline. Affected: yes.
Comment: Not observed at significant frequency in large population cohorts (gnomAD); In silico analysis suggests that this missense variant does not alter protein structure/function; Has not been previously published as pathogenic or benign to our knowledge

NM_015340.4(LARS2):c.2170G>A (p.Glu724Lys)

Gene: LARS2 (leucyl-tRNA synthetase 2, mitochondrial; plus strand). Cytogenetic location: 3p21.31.
Variant type: single nucleotide variant.
Coding change: c.2170G>A on transcript NM_015340.4 (MANE Select); coding-DNA position 2170, G replaced by A.
Protein change: p.Glu724Lys; replaces glutamic acid 724 with lysine.
Molecular consequence: missense variant.
Genome position (GRCh38, 1-based): chr3:45,518,028, G>A. VCF-style: chr3-45518028-G-A. GRCh37 (hg19) VCF-style: chr3-45559520-G-A.
Other names: c.2170G>A, p.Glu724Lys (NM_001368263.1); short protein forms E724K.
Identifiers: ClinVar variation 4686273 (VCV004686273.1).
Genomic context (GRCh38, chr3:45,518,028, plus strand): 5'-GAGGCCAGGGCTTCTGGGAAGTCTCCCCAGCCTCAGCTGCTGAGTAACAAGGAGAAAGCT[G>A]AGGCCAGGAAGCTCTGGGAGTACAAGAACTCCGTCATCTCTCAGGTCAGAAACTCTCCAA-3'
Protein context (NP_056155.1, residues 714-734): PQLLSNKEKA[Glu724Lys]ARKLWEYKNS